The following is an entry in ClinVar:

NM_000088.4(COL1A1):c.3046G>A (p.Gly1016Arg)

Gene: COL1A1 (collagen type I alpha 1 chain; minus strand). Cytogenetic location: 17q21.33.
Variant type: single nucleotide variant.
Coding change: c.3046G>A on transcript NM_000088.4 (MANE Select); coding-DNA position 3046, G replaced by A.
Protein change: p.Gly1016Arg; replaces glycine 1016 with arginine.
Molecular consequence: missense variant.
Genome position (GRCh38, 1-based): chr17:50,188,795, C>T on the plus strand (G>A on the coding strand, the complement: COL1A1 is on the minus strand). VCF-style: chr17-50188795-C-T. GRCh37 (hg19) VCF-style: chr17-48266156-C-T.
Other names: short protein forms G1016R.
Identifiers: ClinVar variation 453146 (VCV000453146.3), dbSNP rs1555572331, ClinGen allele CA400203409.

ClinVar aggregate classification (germline): Pathogenic/Likely pathogenic. Review status: criteria provided, multiple submitters, no conflicts (2 of 4 stars). 2 submissions from 2 submitters: Pathogenic (1); Likely pathogenic (1). Last evaluated 2025-08-27.

Conditions:
COL1A1-related disorder. Also called: COL1A1-related condition; COL1A1- related disease.

Submissions (2):

PreventionGenetics, part of Exact Sciences
Classification: Likely pathogenic for COL1A1-related condition. Last evaluated: 2025-08-27. Review status: criteria provided, single submitter. Criteria: ACMG Guidelines, 2015. Collection method: clinical testing. Allele origin: germline.
Comment: The COL1A1 c.3046G>A variant is predicted to result in the amino acid substitution p.Gly1016Arg. To our knowledge, this variant has not been reported in the literature or in a large population database (gnomAD), indicating this variant is rare. This variant is located in the conserved Gly-Xaa-Yaa triple helical domain where substitutions of a glycine are usually pathogenic (Residues 179-1192; Legacy nomenclature in Marini et al. 2007. PubMed ID: 17078022 indicates amino acids 1-1012; Symoens. 2014. PubMed ID: 25146735). This variant is interpreted as likely pathogenic.

GeneDx
Classification: Pathogenic. Last evaluated: 2017-10-30. Review status: criteria provided, single submitter. Criteria: GeneDx Variant Classification (06012015). Collection method: clinical testing. Allele origin: germline. Affected: yes.
Comment: The G1016R pathogenic variant in the COL1A1 gene has not been published as a pathogenic variant, nor has it been reported as a benign variant to our knowledge. G1016R occurs in the triple helical domain and replaces the Glycine in the canonical Gly-X-Y repeat. Variants in these Glycines result in poor winding of the collagen triple helix and a less functional protein. The G1016R variant is not observed in large population cohorts (Lek et al., 2016). The G1016R variant is a non-conservative amino acid substitution, which is likely to impact secondary protein structure as these residues differ in polarity, charge, size and/or other properties. This substitution occurs at a position that is conserved across species and in silico analysis predicts this variant is probably damaging to the protein structure/function. Missense variants in nearby Glycine residues (G1010S, G1022S/V/R) have been reported in the Human Gene Mutation Database in association with COL1A1-related disorders (Stenson et al., 2014), supporting the functional importance of this region of the protein.